The following is an entry in ClinVar:

ClinVar aggregate classification (germline): Uncertain significance (1 of 4 stars; one submission).

gnomAD v4.1: 20 of 1,613,988 alleles (0.0012%); highest among the groups gnomAD compares: Admixed American, 0.0033%; no homozygotes.

Submission:

CeGaT Center for Human Genetics Tuebingen
Classification: Uncertain significance. Last evaluated: 2026-07-01. Review status: criteria provided, single submitter. Criteria: CeGaT Center For Human Genetics Tuebingen Variant Classification Criteria Version 2. Collection method: clinical testing. Allele origin: germline. Affected: yes. Observed: 1 variant allele.
Comment: EIF2B4: PM2

NM_001034116.2(EIF2B4):c.916C>T (p.Arg306Trp)

Genes: EIF2B4 (eukaryotic translation initiation factor 2B subunit delta; minus strand), GTF3C2-AS2 (GTF3C2 antisense RNA 2; plus strand). Cytogenetic location: 2p23.3.
Variant type: single nucleotide variant.
Coding change: c.916C>T on transcript NM_001034116.2 (MANE Select); coding-DNA position 916, C replaced by T.
Protein change: p.Arg306Trp; replaces arginine 306 with tryptophan.
Molecular consequence: missense variant.
Genome position (GRCh38, 1-based): chr2:27,367,171, G>A on the plus strand (C>T on the coding strand, the complement: EIF2B4 is on the minus strand). VCF-style: chr2-27367171-G-A. GRCh37 (hg19) VCF-style: chr2-27590038-G-A.
Other names: c.979C>T, p.Arg327Trp (NM_001318965.2); c.871C>T, p.Arg291Trp (NM_001318966.2); c.823C>T, p.Arg275Trp (NM_001318967.2); c.331C>T, p.Arg111Trp (NM_001318968.2); c.298C>T, p.Arg100Trp (NM_001318969.2); c.913C>T, p.Arg305Trp (NM_015636.4); c.976C>T, p.Arg326Trp (NM_172195.4); short protein forms R100W, R111W, R275W, R291W, R305W, R306W, R326W, R327W.
Identifiers: ClinVar variation 5039949 (VCV005039949.1).